The following is an entry in ClinVar:

ClinVar aggregate classification (germline): Likely benign. Review status: criteria provided, multiple submitters, no conflicts (2 of 4 stars). 3 submissions from 3 submitters: Likely benign (2). 1 of the submissions does not count toward it. Last evaluated 2026-06-01.

Conditions:
SPART-related disorder. Also called: SPART-related condition.

Allele frequency attached by ClinVar (database versions not stated): ExAC 0.00004; gnomAD exomes 0.00005; ESP Exome Variant Server 0.00008; TOPMed 0.00014; 1000 Genomes Project 30x 0.00016; gnomAD 0.00019 and 0.00021; 1000 Genomes Project 0.00020.
gnomAD v4.1: 83 of 1,614,076 alleles (0.0051%); highest among the groups gnomAD compares: African/African-American, 0.051%; no homozygotes.

Submissions (3):

CeGaT Center for Human Genetics Tuebingen
Classification: Likely benign. Last evaluated: 2026-06-01. Review status: criteria provided, single submitter. Criteria: CeGaT Center For Human Genetics Tuebingen Variant Classification Criteria Version 2. Collection method: clinical testing. Allele origin: germline. Affected: yes. Observed: 1 variant allele.
Comment: SPART: BP4, BP7

Labcorp Genetics (formerly Invitae), Labcorp
Classification: Likely benign. Last evaluated: 2022-08-15. Review status: criteria provided, single submitter. Criteria: Invitae Variant Classification Sherloc (09022015). Collection method: clinical testing. Allele origin: germline.

PreventionGenetics, part of Exact Sciences
Classification: Likely benign for SPART-related condition. Last evaluated: 2021-08-09. Review status: no assertion criteria provided. Collection method: clinical testing. Allele origin: germline. Not counted in ClinVar's aggregate classification.
Comment: This variant is classified as likely benign based on ACMG/AMP sequence variant interpretation guidelines (Richards et al. 2015 PMID: 25741868, with internal and published modifications).

NM_015087.5(SPART):c.486A>G (p.Pro162=)

Gene: SPART (spartin; minus strand). Cytogenetic location: 13q13.3.
Variant type: single nucleotide variant.
Coding change: c.486A>G on transcript NM_015087.5 (MANE Select); coding-DNA position 486, A replaced by G.
Protein change: p.Pro162=; no amino-acid change (proline 162 retained).
Molecular consequence: synonymous variant.
Genome position (GRCh38, 1-based): chr13:36,335,345, T>C on the plus strand (A>G on the coding strand, the complement: SPART is on the minus strand). VCF-style: chr13-36335345-T-C. GRCh37 (hg19) VCF-style: chr13-36909482-T-C.
Other names: c.486A>G (NM_015087.4); c.486A>G, p.Pro162= (NM_001142294.2, NM_001142295.2, NM_001142296.2).
Identifiers: ClinVar variation 1145676 (VCV001145676.14), dbSNP rs368226366, ClinGen allele CA6949630.